The following is an entry in ClinVar:

NM_000321.3(RB1):c.1815G>A (p.Met605Ile)

Gene: RB1 (RB transcriptional corepressor 1; plus strand). Cytogenetic location: 13q14.2.
Variant type: single nucleotide variant.
Coding change: c.1815G>A on transcript NM_000321.3 (MANE Select); coding-DNA position 1815, G replaced by A.
Protein change: p.Met605Ile; replaces methionine 605 with isoleucine.
Molecular consequence: missense variant.
Genome position (GRCh38, 1-based): chr13:48,456,204, G>A. VCF-style: chr13-48456204-G-A. GRCh37 (hg19) VCF-style: chr13-49030340-G-A.
Other names: short protein forms M605I.
Identifiers: ClinVar variation 649333 (VCV000649333.14), dbSNP rs1472724809, ClinGen allele CA388165686.

ClinVar aggregate classification (germline): Conflicting classifications of pathogenicity. Review status: criteria provided, conflicting classifications (1 of 4 stars). 5 submissions from 5 submitters: Uncertain significance (3); Likely benign (2). Last evaluated 2025-08-03.

Conditions:
Hereditary cancer-predisposing syndrome. Also called: Neoplastic Syndromes, Hereditary; Tumor predisposition; Hereditary Cancer Syndrome; Hereditary neoplastic syndrome. Identifiers: Orphanet 140162, MedGen C0027672, MeSH D009386, MONDO:0015356.
Retinoblastoma (RB1). Also called: RETINOBLASTOMA, SOMATIC. Identifiers: Orphanet 790, MedGen C0035335, MeSH D012175, MONDO:0008380, OMIM 180200, HP:0009919. Disease mechanism: loss of function. Inheritance: Both sporadic and heritable forms are tested..

Allele frequency attached by ClinVar (database versions not stated): gnomAD exomes below 0.00001 and 0.00001; gnomAD 0.00001.

Submissions (5):

Labcorp Genetics (formerly Invitae), Labcorp
Classification: Likely benign for Retinoblastoma. Last evaluated: 2025-08-03. Review status: criteria provided, single submitter. Criteria: Invitae Variant Classification Sherloc (09022015). Collection method: clinical testing. Allele origin: germline.

Color Diagnostics, LLC DBA Color Health
Classification: Uncertain significance for Retinoblastoma. Last evaluated: 2025-06-23. Review status: criteria provided, single submitter. Criteria: ACMG Guidelines, 2015. Collection method: clinical testing. Allele origin: germline.
Comment: This missense variant replaces methionine with isoleucine at codon 605 of the RB1 protein. Computational prediction suggests that this variant may not impact protein structure and function. To our knowledge, functional studies have not been reported for this variant. This variant has not been reported in individuals affected with RB1-related disorders in the literature. This variant has been identified in 1/251092 chromosomes in the general population by the Genome Aggregation Database (gnomAD). The available evidence is insufficient to determine the role of this variant in disease conclusively. Therefore, this variant is classified as a Variant of Uncertain Significance.

GeneDx
Classification: Uncertain significance. Last evaluated: 2024-02-05. Review status: criteria provided, single submitter. Criteria: GeneDx Variant Classification Process June 2021. Collection method: clinical testing. Allele origin: germline. Affected: yes.
Comment: Not observed at significant frequency in large population cohorts (gnomAD); In silico analysis supports that this missense variant does not alter protein structure/function; Observed among unaffected controls, but not in any cases in a melanoma study (PMID: 29641532); This variant is associated with the following publications: (PMID: 23516486, 29641532)

All of Us Research Program, National Institutes of Health
Classification: Uncertain significance for Retinoblastoma. Last evaluated: 2023-08-25. Review status: criteria provided, single submitter. Criteria: ACMG Guidelines, 2015. Collection method: clinical testing. Allele origin: germline. Inheritance: Autosomal dominant inheritance. Observed: 2 variant alleles, 2 heterozygotes.
Comment: This missense variant replaces methionine with isoleucine at codon 605 of the RB1 protein. Computational prediction suggests that this variant may not impact protein structure and function (internally defined REVEL score threshold <= 0.5, PMID: 27666373). Splice site prediction tools suggest that this variant may impact RNA splicing. To our knowledge, RNA or protein functional studies have not been reported for this variant. This variant has not been reported in individuals affected with hereditary cancer in the literature. This variant has been identified in 1/251092 chromosomes in the general population by the Genome Aggregation Database (gnomAD). The available evidence is insufficient to determine the role of this variant in disease conclusively. Therefore, this variant is classified as a Variant of Uncertain Significance.

This study involves interpretation of variants in research participants for the purpose of population health screening. Participant phenotype was not available at the time of variant classification. Additional details can be found in publication PMID: 35346344, PMCID: PMC8962531

Ambry Genetics
Classification: Likely benign for Hereditary cancer-predisposing syndrome. Last evaluated: 2023-02-01. Review status: criteria provided, single submitter. Criteria: Ambry Variant Classification Scheme 2023. Collection method: clinical testing. Allele origin: germline.

Literature cited by the submitters: PubMed 29641532 (cited by Ambry Genetics).